The following is an entry in ClinVar:

ClinVar aggregate classification (germline): Benign/Likely benign. Review status: criteria provided, multiple submitters, no conflicts (2 of 4 stars). 2 submissions from 2 submitters: Benign (1); Likely benign (1). Last evaluated 2025-05-06.

Conditions:
RP1L1-related disorder. Also called: RP1L1-related condition.

gnomAD v4.1: 147 of 1,612,858 alleles (0.0091%); highest among the groups gnomAD compares: Non-Finnish European, 0.0031%; no homozygotes.

Submissions (2):

PreventionGenetics, part of Exact Sciences
Classification: Likely benign for RP1L1-related condition. Last evaluated: 2025-05-06. Review status: criteria provided, single submitter. Criteria: ACMG Guidelines, 2015. Collection method: clinical testing. Allele origin: germline.
Comment: This variant is classified as likely benign based on ACMG/AMP sequence variant interpretation guidelines (Richards et al. 2015 PMID: 25741868, with internal and published modifications).

Blueprint Genetics
Classification: Benign. Last evaluated: 2024-02-27. Review status: criteria provided, single submitter. Criteria: ACMG Guidelines, 2015. Collection method: clinical testing. Allele origin: germline.

NM_178857.6(RP1L1):c.2872C>T (p.Arg958Cys)

Gene: RP1L1 (RP1 like 1). Cytogenetic location: 8p23.1.
Variant type: single nucleotide variant.
Coding change: c.2872C>T on transcript NM_178857.6 (MANE Select); coding-DNA position 2872, C replaced by T.
Protein change: p.Arg958Cys; replaces arginine 958 with cysteine.
Molecular consequence: missense variant.
Genome position (GRCh38, 1-based): chr8:10,611,226, G>A on the plus strand (C>T on the coding strand, the complement: RP1L1 is on the minus strand). VCF-style: chr8-10611226-G-A. GRCh37 (hg19) VCF-style: chr8-10468736-G-A.
Other names: c.2872C>T (NM_178857.5); short protein forms R958C.
Identifiers: ClinVar variation 4899246 (VCV004899246.2).